The following is an entry in ClinVar:

ClinVar aggregate classification (germline): Uncertain significance (1 of 4 stars; one submission).

Conditions:
Severe combined immunodeficiency due to DNA-PKcs deficiency. Also called: IMMUNODEFICIENCY 26 WITH NEUROLOGIC ABNORMALITIES; Immunodeficiency 26 with or without neurologic abnormalities. Identifiers: Orphanet 317425, MedGen C4014833, MONDO:0014423, OMIM 615966.

Submission:

Labcorp Genetics (formerly Invitae), Labcorp
Classification: Uncertain significance for Severe combined immunodeficiency due to DNA-PKcs deficiency. Last evaluated: 2025-07-16. Review status: criteria provided, single submitter. Criteria: Invitae Variant Classification Sherloc (09022015). Collection method: clinical testing. Allele origin: germline.
Comment: This sequence change replaces glutamic acid, which is acidic and polar, with aspartic acid, which is acidic and polar, at codon 900 of the PRKDC protein (p.Glu900Asp). This variant is not present in population databases (gnomAD no frequency). This variant has not been reported in the literature in individuals affected with PRKDC-related conditions. Invitae Evidence Modeling of protein sequence and biophysical properties (such as structural, functional, and spatial information, amino acid conservation, physicochemical variation, residue mobility, and thermodynamic stability) indicates that this missense variant is not expected to disrupt PRKDC protein function with a negative predictive value of 80%. In summary, the available evidence is currently insufficient to determine the role of this variant in disease. Therefore, it has been classified as a Variant of Uncertain Significance.

NM_006904.7(PRKDC):c.2700G>C (p.Glu900Asp)

Gene: PRKDC (protein kinase, DNA-activated, catalytic subunit; minus strand). Cytogenetic location: 8q11.21.
Variant type: single nucleotide variant.
Coding change: c.2700G>C on transcript NM_006904.7 (MANE Select); coding-DNA position 2700, G replaced by C.
Protein change: p.Glu900Asp; replaces glutamic acid 900 with aspartic acid.
Molecular consequence: missense variant.
Genome position (GRCh38, 1-based): chr8:47,913,982, C>G on the plus strand (G>C on the coding strand, the complement: PRKDC is on the minus strand). VCF-style: chr8-47913982-C-G. GRCh37 (hg19) VCF-style: chr8-48826542-C-G.
Other names: c.2700G>C, p.Glu900Asp (NM_001081640.2); short protein forms E900D.
Identifiers: ClinVar variation 4745285 (VCV004745285.1).